The following is an entry in ClinVar:

ClinVar aggregate classification (germline): Uncertain significance (1 of 4 stars; one submission).

Conditions:
Mosaic variegated aneuploidy syndrome 2 (MVA2). Identifiers: Orphanet 1052, MedGen C3279843, MONDO:0013582, OMIM 614114.

Submission:

Labcorp Genetics (formerly Invitae), Labcorp
Classification: Uncertain significance for Mosaic variegated aneuploidy syndrome 2. Last evaluated: 2025-02-17. Review status: criteria provided, single submitter. Criteria: Invitae Variant Classification Sherloc (09022015). Collection method: clinical testing. Allele origin: germline.
Comment: This sequence change falls in intron 10 of the CEP57 gene. It does not directly change the encoded amino acid sequence of the CEP57 protein. It affects a nucleotide within the consensus splice site. This variant is not present in population databases (gnomAD no frequency). This variant has not been reported in the literature in individuals affected with CEP57-related conditions. Variants that disrupt the consensus splice site are a relatively common cause of aberrant splicing (PMID: 17576681, 9536098). Algorithms developed to predict the effect of sequence changes on RNA splicing suggest that this variant is not likely to affect RNA splicing. In summary, the available evidence is currently insufficient to determine the role of this variant in disease. Therefore, it has been classified as a Variant of Uncertain Significance.

Literature cited by the submitters: PubMed 17576681; PubMed 9536098.

NM_014679.5(CEP57):c.1272+5C>T

Gene: CEP57 (centrosomal protein 57; plus strand). Cytogenetic location: 11q21.
Variant type: single nucleotide variant.
Coding change: c.1272+5C>T on transcript NM_014679.5 (MANE Select); 5 bases into the intron after coding-DNA position 1272, C replaced by T.
Molecular consequence: intron variant.
Genome position (GRCh38, 1-based): chr11:95,829,336, C>T. VCF-style: chr11-95829336-C-T. GRCh37 (hg19) VCF-style: chr11-95562500-C-T.
Other names: c.1191+5C>T (NM_001440869.1, NM_001363604.2, NM_001440870.1); c.1074+5C>T (NM_001440877.1, NM_001440878.1); c.1245+5C>T (NM_001243776.2); c.1194+5C>T (NM_001243777.2); c.1164+5C>T (NM_001440871.1); c.1086+5C>T (NM_001440874.1); c.1155+5C>T (NM_001440872.1); c.1077+5C>T (NM_001440876.1); and 6 more.
Identifiers: ClinVar variation 4761458 (VCV004761458.1).
Genomic context (GRCh38, chr11:95,829,336, plus strand): 5'-GAAGGATGGAAGCAAAAGCCAACCAAATAACTAAAGTTCGAAAATACCAAGCCCAGGTAA[C>T]TCAGTTTTCCTTCACTCAAGTTTCTAATGATTAAGAAAAAAAAAACACTTTAATTCAAAT-3'